The following is an entry in ClinVar:

ClinVar aggregate classification (germline): Uncertain significance. Review status: criteria provided, multiple submitters, no conflicts (2 of 4 stars). 2 submissions from 2 submitters: Uncertain significance (2). Last evaluated 2025-05-08.

Conditions:
Netherton syndrome (NETH). Also called: NETHERTON DISEASE; ERYTHRODERMA, ICHTHYOSIFORM, WITH HYPOTRICHOSIS AND HYPER-IgE; COMEL-NETHERTON SYNDROME. Identifiers: Orphanet 634, MedGen C5574950, MONDO:0009735, OMIM 256500.

Allele frequency attached by ClinVar (database versions not stated): gnomAD exomes 0.00001 and 0.00002; ExAC 0.00002; gnomAD 0.00003 and 0.00004; TOPMed 0.00003; 1000 Genomes Project 0.00020; 1000 Genomes Project 30x 0.00031.
gnomAD v4.1: 39 of 1,613,740 alleles (0.0024%); highest among the groups gnomAD compares: Middle Eastern, 0.033%; no homozygotes.

Submissions (2):

GeneDx
Classification: Uncertain significance. Last evaluated: 2025-05-08. Review status: criteria provided, single submitter. Criteria: GeneDx Variant Classification Process June 2021. Collection method: clinical testing. Allele origin: germline. Affected: yes.
Comment: In silico analysis supports that this missense variant has a deleterious effect on protein structure/function; Has not been previously published as pathogenic or benign to our knowledge

Labcorp Genetics (formerly Invitae), Labcorp
Classification: Uncertain significance for Ichthyosis linearis circumflexa. Last evaluated: 2022-02-19. Review status: criteria provided, single submitter. Criteria: Invitae Variant Classification Sherloc (09022015). Collection method: clinical testing. Allele origin: germline.
Comment: This sequence change replaces proline, which is neutral and non-polar, with leucine, which is neutral and non-polar, at codon 652 of the SPINK5 protein (p.Pro652Leu). This variant is present in population databases (rs191160111, gnomAD 0.003%). This variant has not been reported in the literature in individuals affected with SPINK5-related conditions. ClinVar contains an entry for this variant (Variation ID: 954997). Algorithms developed to predict the effect of missense changes on protein structure and function are either unavailable or do not agree on the potential impact of this missense change (SIFT: "Deleterious"; PolyPhen-2: "Probably Damaging"; Align-GVGD: "Class C0"). In summary, the available evidence is currently insufficient to determine the role of this variant in disease. Therefore, it has been classified as a Variant of Uncertain Significance.

NM_006846.4(SPINK5):c.1955C>T (p.Pro652Leu)

Gene: SPINK5 (serine peptidase inhibitor Kazal type 5; plus strand). Cytogenetic location: 5q32.
Variant type: single nucleotide variant.
Coding change: c.1955C>T on transcript NM_006846.4 (MANE Select); coding-DNA position 1955, C replaced by T.
Protein change: p.Pro652Leu; replaces proline 652 with leucine.
Molecular consequence: missense variant.
Genome position (GRCh38, 1-based): chr5:148,114,429, C>T. VCF-style: chr5-148114429-C-T. GRCh37 (hg19) VCF-style: chr5-147493992-C-T.
Other names: c.1955C>T, p.Pro652Leu (NM_001127698.2, NM_001127699.2); short protein forms P652L.
Identifiers: ClinVar variation 954997 (VCV000954997.6), dbSNP rs191160111, ClinGen allele CA3495802.